The following is an entry in ClinVar:

NM_001003841.3(SLC6A19):c.1096C>T (p.Arg366Trp)

Gene: SLC6A19 (solute carrier family 6 member 19; plus strand). Cytogenetic location: 5p15.33.
Variant type: single nucleotide variant.
Coding change: c.1096C>T on transcript NM_001003841.3 (MANE Select); coding-DNA position 1096, C replaced by T.
Protein change: p.Arg366Trp; replaces arginine 366 with tryptophan.
Molecular consequence: missense variant.
Genome position (GRCh38, 1-based): chr5:1,216,868, C>T. VCF-style: chr5-1216868-C-T. GRCh37 (hg19) VCF-style: chr5-1216983-C-T.
Other names: short protein forms R366W.
Identifiers: ClinVar variation 1967849 (VCV001967849.5), dbSNP rs371553611, ClinGen allele CA3183034.

ClinVar aggregate classification (germline): Uncertain significance. Review status: criteria provided, multiple submitters, no conflicts (2 of 4 stars). 2 submissions from 2 submitters: Uncertain significance (2). Last evaluated 2024-05-10.

Conditions:
Neutral 1 amino acid transport defect (HND). Also called: HARTNUP DISORDER; Hartnup disease. Identifiers: Orphanet 2116, MedGen C0018609, MONDO:0009324, OMIM 234500.

Allele frequency attached by ClinVar (database versions not stated): ExAC 0.00002; gnomAD 0.00003; gnomAD exomes 0.00003; ESP Exome Variant Server 0.00008; TOPMed 0.00008.
gnomAD v4.1: 49 of 1,613,608 alleles (0.003%); highest among the groups gnomAD compares: African/African-American, 0.008%; no homozygotes.

Submissions (2):

Fulgent Genetics
Classification: Uncertain significance for Neutral 1 amino acid transport defect. Last evaluated: 2024-05-10. Review status: criteria provided, single submitter. Criteria: ACMG Guidelines, 2015. Collection method: clinical testing. Allele origin: germline.

Labcorp Genetics (formerly Invitae), Labcorp
Classification: Uncertain significance. Last evaluated: 2022-07-18. Review status: criteria provided, single submitter. Criteria: Invitae Variant Classification Sherloc (09022015). Collection method: clinical testing. Allele origin: germline.
Comment: In summary, the available evidence is currently insufficient to determine the role of this variant in disease. Therefore, it has been classified as a Variant of Uncertain Significance. Advanced modeling of protein sequence and biophysical properties (such as structural, functional, and spatial information, amino acid conservation, physicochemical variation, residue mobility, and thermodynamic stability) performed at Invitae indicates that this missense variant is not expected to disrupt SLC6A19 protein function. This variant has not been reported in the literature in individuals affected with SLC6A19-related conditions. This variant is present in population databases (rs371553611, gnomAD 0.008%). This sequence change replaces arginine, which is basic and polar, with tryptophan, which is neutral and slightly polar, at codon 366 of the SLC6A19 protein (p.Arg366Trp).